The following is an entry in ClinVar:

ClinVar aggregate classification (germline): Uncertain significance (1 of 4 stars; one submission).

Conditions:
STT3B-congenital disorder of glycosylation. Also called: STT3B-CDG; CDG Ix; Congenital disorder of glycosylation type 1x. Identifiers: Orphanet 370924, MedGen C2931007, MONDO:0014271, OMIM 615597.

Allele frequency attached by ClinVar (database versions not stated): gnomAD 0.00001; TOPMed 0.00001.
gnomAD v4.1: 1 of 1,608,742 alleles (0.000062%); highest among the groups gnomAD compares: Non-Finnish European, 0.000085%; no homozygotes.

Submission:

Labcorp Genetics (formerly Invitae), Labcorp
Classification: Uncertain significance for STT3B-congenital disorder of glycosylation. Last evaluated: 2022-03-31. Review status: criteria provided, single submitter. Criteria: Invitae Variant Classification Sherloc (09022015). Collection method: clinical testing. Allele origin: germline.
Comment: Algorithms developed to predict the effect of missense changes on protein structure and function are either unavailable or do not agree on the potential impact of this missense change (SIFT: "Tolerated"; PolyPhen-2: "Possibly Damaging"; Align-GVGD: "Class C0"). This variant has not been reported in the literature in individuals affected with STT3B-related conditions. This variant is present in population databases (no rsID available, gnomAD 0.007%). This sequence change replaces valine, which is neutral and non-polar, with phenylalanine, which is neutral and non-polar, at codon 368 of the STT3B protein (p.Val368Phe). In summary, the available evidence is currently insufficient to determine the role of this variant in disease. Therefore, it has been classified as a Variant of Uncertain Significance.

NM_178862.3(STT3B):c.1102G>T (p.Val368Phe)

Gene: STT3B (STT3 oligosaccharyltransferase complex catalytic subunit B; plus strand). Cytogenetic location: 3p23.
Variant type: single nucleotide variant.
Coding change: c.1102G>T on transcript NM_178862.3 (MANE Select); coding-DNA position 1102, G replaced by T.
Protein change: p.Val368Phe; replaces valine 368 with phenylalanine.
Molecular consequence: missense variant.
Genome position (GRCh38, 1-based): chr3:31,617,054, G>T. VCF-style: chr3-31617054-G-T. GRCh37 (hg19) VCF-style: chr3-31658546-G-T.
Other names: short protein forms V368F.
Identifiers: ClinVar variation 2415838 (VCV002415838.5), dbSNP rs1477841295, ClinGen allele CA351818055.